The following is an entry in ClinVar:

ClinVar aggregate classification (germline): Uncertain significance (1 of 4 stars; one submission).

Conditions:
Primary ciliary dyskinesia. Also called: Ciliary dyskinesia. Identifiers: Orphanet 244, MedGen C0008780, MONDO:0016575, HP:0012265.

Allele frequency attached by ClinVar (database versions not stated): gnomAD 0.00001; gnomAD exomes 0.00001.
gnomAD v4.1: 11 of 1,514,504 alleles (0.00073%); highest among the groups gnomAD compares: Non-Finnish European, 0.00097%; no homozygotes.

Submission:

Labcorp Genetics (formerly Invitae), Labcorp
Classification: Uncertain significance for Primary ciliary dyskinesia. Last evaluated: 2023-05-23. Review status: criteria provided, single submitter. Criteria: Invitae Variant Classification Sherloc (09022015). Collection method: clinical testing. Allele origin: germline.
Comment: This variant has not been reported in the literature in individuals affected with DNAH8-related conditions. Experimental studies and prediction algorithms are not available or were not evaluated, and the functional significance of this variant is currently unknown. In summary, the available evidence is currently insufficient to determine the role of this variant in disease. Therefore, it has been classified as a Variant of Uncertain Significance. The frequency data for this variant in the population databases is considered unreliable, as metrics indicate poor data quality at this position in the gnomAD database. This sequence change replaces asparagine, which is neutral and polar, with serine, which is neutral and polar, at codon 508 of the DNAH8 protein (p.Asn508Ser).

NM_001206927.2(DNAH8):c.1523A>G (p.Asn508Ser)

Gene: DNAH8 (dynein axonemal heavy chain 8; plus strand). Cytogenetic location: 6p21.2.
Variant type: single nucleotide variant.
Coding change: c.1523A>G on transcript NM_001206927.2 (MANE Select); coding-DNA position 1523, A replaced by G.
Protein change: p.Asn508Ser; replaces asparagine 508 with serine.
Molecular consequence: missense variant.
Genome position (GRCh38, 1-based): chr6:38,761,709, A>G. VCF-style: chr6-38761709-A-G. GRCh37 (hg19) VCF-style: chr6-38729485-A-G.
Other names: c.872A>G, p.Asn291Ser (NM_001371.4); short protein forms N291S, N508S.
Identifiers: ClinVar variation 2706927 (VCV002706927.1), dbSNP rs1053193564, ClinGen allele CA137554911.